The following is an entry in ClinVar:

ClinVar aggregate classification (germline): Uncertain significance (1 of 4 stars; one submission).

Conditions:
Atypical hemolytic-uremic syndrome. Identifiers: Orphanet 2134, MedGen C2931788, MONDO:0016244.

Submission:

Genomenon, Inc
Classification: Uncertain significance for Atypical hemolytic-uremic syndrome. Last evaluated: 2025-10-02. Review status: criteria provided, single submitter. Criteria: Genomenon Sequence Variant Interpretation Standards. Collection method: curation. Allele origin: germline. Affected: no.
Comment: CD46 p.Glu137Ala (c.410A>C) is a missense variant that changes the amino acid at residue 137 from Glutamic acid to Alanine. This variant has been reported in the published literature (PMID:16014961;26357573;10960475;11093164). It is absent or not present at a significant frequency in gnomAD. In silico models agree that this variant is not damaging. In conclusion, we classify CD46 p.Glu137Ala (c.410A>C) as a variant of uncertain significance.

Literature cited by the submitters: PubMed 16014961; PubMed 26357573; PubMed 10960475; PubMed 11093164.

NM_172351.3(CD46):c.410A>C (p.Glu137Ala)

Gene: CD46 (CD46 molecule; plus strand). Cytogenetic location: 1q32.2.
Variant type: single nucleotide variant.
Coding change: c.410A>C on transcript NM_172351.3 (MANE Select); coding-DNA position 410, A replaced by C.
Protein change: p.Glu137Ala; replaces glutamic acid 137 with alanine.
Molecular consequence: missense variant.
Genome position (GRCh38, 1-based): chr1:207,759,659, A>C. VCF-style: chr1-207759659-A-C. GRCh37 (hg19) VCF-style: chr1-207933004-A-C.
Other names: c.410A>C, p.Glu137Ala (NM_172361.3, NM_002389.4, NM_153826.4 and 8 more transcripts); short protein forms E137A.
Identifiers: ClinVar variation 4291270 (VCV004291270.1).
Genomic context (GRCh38, chr1:207,759,659, plus strand): 5'-ATTGCTATACAAAACAGTAACCCTTTCTTTTCTCATTTAGTTATTACTTAATTGGTGAAG[A>C]AATTCTATATTGTGAACTTAAAGGATCAGTAGCAATTTGGAGCGGTAAGCCCCCAATATG-3'
Protein context (NP_758861.1, residues 127-147): CNEGYYLIGE[Glu137Ala]ILYCELKGSV